The following is an entry in ClinVar:

ClinVar aggregate classification (germline): Uncertain significance (1 of 4 stars; one submission).

Conditions:
Myopathy, proximal, and ophthalmoplegia (CMYO6). Also called: MYOPATHY WITH CONGENITAL JOINT CONTRACTURES, OPHTHALMOPLEGIA, AND RIMMED VACUOLES; INCLUSION BODY MYOPATHY 3, AUTOSOMAL DOMINANT; CONGENITAL MYOPATHY 6 WITH OPHTHALMOPLEGIA. Identifiers: Orphanet 363677, Orphanet 79091, MedGen C1854106, MONDO:0011577, OMIM 605637.

Submission:

Labcorp Genetics (formerly Invitae), Labcorp
Classification: Uncertain significance for Myopathy, proximal, and ophthalmoplegia. Last evaluated: 2024-03-07. Review status: criteria provided, single submitter. Criteria: Invitae Variant Classification Sherloc (09022015). Collection method: clinical testing. Allele origin: germline.
Comment: This sequence change replaces asparagine, which is neutral and polar, with serine, which is neutral and polar, at codon 485 of the MYH2 protein (p.Asn485Ser). This variant is present in population databases (rs373375087, gnomAD 0.007%). This variant has not been reported in the literature in individuals affected with MYH2-related conditions. Advanced modeling of protein sequence and biophysical properties (such as structural, functional, and spatial information, amino acid conservation, physicochemical variation, residue mobility, and thermodynamic stability) performed at Invitae indicates that this missense variant is expected to disrupt MYH2 protein function with a positive predictive value of 80%. In summary, the available evidence is currently insufficient to determine the role of this variant in disease. Therefore, it has been classified as a Variant of Uncertain Significance.

NM_017534.6(MYH2):c.1454A>G (p.Asn485Ser)

Genes: MYH2 (myosin heavy chain 2; minus strand), MYHAS (myosin heavy chain gene cluster antisense RNA; plus strand). Cytogenetic location: 17p13.1.
Variant type: single nucleotide variant.
Coding change: c.1454A>G on transcript NM_017534.6 (MANE Select); coding-DNA position 1454, A replaced by G.
Protein change: p.Asn485Ser; replaces asparagine 485 with serine.
Molecular consequence: missense variant.
Genome position (GRCh38, 1-based): chr17:10,537,798, T>C on the plus strand (A>G on the coding strand, the complement: MYH2 is on the minus strand). VCF-style: chr17-10537798-T-C. GRCh37 (hg19) VCF-style: chr17-10441115-T-C.
Other names: c.1454A>G, p.Asn485Ser (NM_001100112.2); short protein forms N485S.
Identifiers: ClinVar variation 3690867 (VCV003690867.2).